The following is an entry in ClinVar:

ClinVar aggregate classification (germline): Uncertain significance. Review status: criteria provided, multiple submitters, no conflicts (2 of 4 stars). 3 submissions from 3 submitters: Uncertain significance (3). Last evaluated 2024-08-05.

Conditions:
Epidermolysis bullosa simplex 5B, with muscular dystrophy (EBS5B). Also called: EPIDERMOLYSIS BULLOSA SIMPLEX AND LIMB-GIRDLE MUSCULAR DYSTROPHY; Epidermolysis bullosa simplex with muscular dystrophy. Identifiers: Orphanet 257, MedGen C2931072, MONDO:0009181, OMIM 226670.
Epidermolysis bullosa simplex 5C, with pyloric atresia (EBS5C). Also called: Epidermolysis bullosa simplex with pyloric atresia; PLEC-Related Epidermolysis Bullosa with Pyloric Atresia; PLEC1-Related Epidermolysis Bullosa with Pyloric Atresia. Identifiers: Orphanet 158684, MedGen C2677349, MONDO:0012807, OMIM 612138.
Epidermolysis bullosa simplex with nail dystrophy (EBS5D). Identifiers: MedGen C4225309, MONDO:0014661, OMIM 616487.
Autosomal recessive limb-girdle muscular dystrophy type 2Q (LGMDR17). Also called: MUSCULAR DYSTROPHY, LIMB-GIRDLE, AUTOSOMAL RECESSIVE 17. Identifiers: Orphanet 254361, MedGen C3150989, MONDO:0013390, OMIM 613723.
Epidermolysis bullosa simplex, Ogna type (EBS5A). Also called: Pidermolysis bullosa simplex 5A, Ogna type; EPIDERMOLYSIS BULLOSA SIMPLEX 5A, OGNA TYPE. Identifiers: Orphanet 79401, MedGen C0432317, MONDO:0007555, OMIM 131950.

Allele frequency attached by ClinVar (database versions not stated): gnomAD 0.00001; TOPMed 0.00001; gnomAD exomes 0.00002.
gnomAD v4.1: 22 of 1,598,752 alleles (0.0014%); highest among the groups gnomAD compares: Non-Finnish European, 0.0019%; no homozygotes.

Submissions (3):

Labcorp Genetics (formerly Invitae), Labcorp
Classification: Uncertain significance for Autosomal recessive limb-girdle muscular dystrophy type 2Q; Epidermolysis bullosa simplex, Ogna type; Epidermolysis bullosa simplex with nail dystrophy; Epidermolysis bullosa simplex 5C, with pyloric atresia; Epidermolysis bullosa simplex 5B, with muscular dystrophy. Last evaluated: 2024-08-05. Review status: criteria provided, single submitter. Criteria: Invitae Variant Classification Sherloc (09022015). Collection method: clinical testing. Allele origin: germline.
Comment: This sequence change replaces glutamic acid, which is acidic and polar, with lysine, which is basic and polar, at codon 1167 of the PLEC protein (p.Glu1167Lys). The frequency data for this variant in the population databases is considered unreliable, as metrics indicate poor data quality at this position in the gnomAD database. This variant has not been reported in the literature in individuals affected with PLEC-related conditions. ClinVar contains an entry for this variant (Variation ID: 2069927). Advanced modeling of protein sequence and biophysical properties (such as structural, functional, and spatial information, amino acid conservation, physicochemical variation, residue mobility, and thermodynamic stability) performed at Invitae indicates that this missense variant is not expected to disrupt PLEC protein function with a negative predictive value of 80%. In summary, the available evidence is currently insufficient to determine the role of this variant in disease. Therefore, it has been classified as a Variant of Uncertain Significance.

Revvity Omics, Revvity
Classification: Uncertain significance. Last evaluated: 2021-04-26. Review status: criteria provided, single submitter. Criteria: ACMG Guidelines, 2015. Collection method: clinical testing. Allele origin: germline.

Breakthrough Genomics
Classification: Uncertain significance. Review status: criteria provided, single submitter. Criteria: ACMG Guidelines, 2015. Collection method: not provided. Allele origin: germline. Inheritance: Autosomal recessive inheritance. Affected: yes.

NM_201384.3(PLEC):c.3418G>A (p.Glu1140Lys)

Gene: PLEC (plectin; minus strand). Cytogenetic location: 8q24.3.
Variant type: single nucleotide variant.
Coding change: c.3418G>A on transcript NM_201384.3 (MANE Select); coding-DNA position 3418, G replaced by A.
Protein change: p.Glu1140Lys; replaces glutamic acid 1140 with lysine.
Molecular consequence: missense variant.
Genome position (GRCh38, 1-based): chr8:143,927,748, C>T on the plus strand (G>A on the coding strand, the complement: PLEC is on the minus strand). VCF-style: chr8-143927748-C-T. GRCh37 (hg19) VCF-style: chr8-145001916-C-T.
Other names: c.3499G>A, p.Glu1167Lys (NM_000445.5, NM_001410941.1); c.3376G>A, p.Glu1126Lys (NM_201378.4); c.3352G>A, p.Glu1118Lys (NM_201379.3); c.3829G>A, p.Glu1277Lys (NM_201380.4); c.3322G>A, p.Glu1108Lys (NM_201381.3); c.3418G>A, p.Glu1140Lys (NM_201382.4); c.3430G>A, p.Glu1144Lys (NM_201383.3); short protein forms E1277K, E1108K, E1126K, E1140K, E1118K, E1144K, E1167K.
Identifiers: ClinVar variation 2069927 (VCV002069927.8), dbSNP rs1194533983, ClinGen allele CA372566461.